The following is an entry in ClinVar:

ClinVar aggregate classification (germline): Uncertain significance (1 of 4 stars; one submission).

gnomAD v4.1: 16 of 1,610,140 alleles (0.00099%); highest among the groups gnomAD compares: African/African-American, 0.016%; no homozygotes.

Submission:

Labcorp Genetics (formerly Invitae), Labcorp
Classification: Uncertain significance. Last evaluated: 2025-06-22. Review status: criteria provided, single submitter. Criteria: Invitae Variant Classification Sherloc (09022015). Collection method: clinical testing. Allele origin: germline.
Comment: This sequence change replaces leucine, which is neutral and non-polar, with proline, which is neutral and non-polar, at codon 635 of the C6 protein (p.Leu635Pro). This variant is present in population databases (rs776264890, gnomAD 0.02%). This variant has not been reported in the literature in individuals affected with C6-related conditions. An algorithm developed to predict the effect of missense changes on protein structure and function (PolyPhen-2) suggests that this variant is likely to be disruptive. In summary, the available evidence is currently insufficient to determine the role of this variant in disease. Therefore, it has been classified as a Variant of Uncertain Significance.

NM_000065.5(C6):c.1904T>C (p.Leu635Pro)

Gene: C6 (complement C6; minus strand). Cytogenetic location: 5p13.1.
Variant type: single nucleotide variant.
Coding change: c.1904T>C on transcript NM_000065.5 (MANE Select); coding-DNA position 1904, T replaced by C.
Protein change: p.Leu635Pro; replaces leucine 635 with proline.
Molecular consequence: missense variant.
Genome position (GRCh38, 1-based): chr5:41,158,738, A>G on the plus strand (T>C on the coding strand, the complement: C6 is on the minus strand). VCF-style: chr5-41158738-A-G. GRCh37 (hg19) VCF-style: chr5-41158840-A-G.
Other names: c.1904T>C, p.Leu635Pro (NM_001115131.4); short protein forms L635P.
Identifiers: ClinVar variation 4692808 (VCV004692808.1).